The following is an entry in ClinVar:

NM_002474.3(MYH11):c.5788C>T (p.Arg1930Ter)

Genes: MYH11 (myosin heavy chain 11; minus strand), NDE1 (nudE neurodevelopment protein 1; plus strand). Cytogenetic location: 16p13.11.
Variant type: single nucleotide variant.
Coding change: c.5788C>T on transcript NM_002474.3 (MANE Select); coding-DNA position 5788, C replaced by T.
Protein change: p.Arg1930Ter; replaces arginine 1930 with a stop codon.
Molecular consequence: nonsense. On other transcripts: 3 prime UTR variant (2), intron variant (2).
Genome position (GRCh38, 1-based): chr16:15,704,122, G>A on the plus strand (C>T on the coding strand, the complement: MYH11 is on the minus strand). VCF-style: chr16-15704122-G-A. GRCh37 (hg19) VCF-style: chr16-15797979-G-A.
Other names: c.*10C>T (NM_001040113.2, NM_022844.3); c.5809C>T, p.Arg1937Ter (NM_001040114.2); c.947+7262G>A (NM_001143979.2, NM_017668.3); short protein forms R1930*, R1937*.
Identifiers: ClinVar variation 503630 (VCV000503630.3), dbSNP rs772670393, ClinGen allele CA7921069.
Genomic context (GRCh38, chr16:15,704,122, plus strand): 5'-TTTCAATAACTCTACGTCCTCCAGACCTTCTAGAAGGAACGAAAGAGGTCTCGTTTCCTC[G>A]CCTGTGGGTTGTAAGAAAACACATTATTTAGCAAAGAAATCTTCATGGTTGGGATAGATT-3'

ClinVar aggregate classification (germline): Uncertain significance. Review status: criteria provided, multiple submitters, no conflicts (2 of 4 stars). 3 submissions from 3 submitters: Uncertain significance (3). Last evaluated 2025-03-13.

Conditions:
Aortic aneurysm, familial thoracic 4 (AAT4). Also called: AORTIC ANEURYSM/AORTIC DISSECTION AND PATENT DUCTUS ARTERIOSUS. Identifiers: MedGen C1851504, MONDO:0007568, OMIM 132900.
Visceral myopathy 2. Identifiers: MedGen C5543466, MONDO:0859157, OMIM 619350.
Megacystis-microcolon-intestinal hypoperistalsis syndrome 2. Identifiers: MedGen C5543476, MONDO:0025708, OMIM 619351.
Familial thoracic aortic aneurysm and aortic dissection (TAAD). Also called: Thoracic aortic aneurysms and dissections. Identifiers: Orphanet 91387, MedGen C4707243, MONDO:0019625.

Allele frequency attached by ClinVar (database versions not stated): gnomAD exomes below 0.00001 and 0.00001; TOPMed below 0.00001; ExAC 0.00001; gnomAD 0.00001.
gnomAD v4.1: 9 of 1,613,762 alleles (0.00056%); highest among the groups gnomAD compares: Admixed American, 0.0017%; no homozygotes.

Submissions (3):

Ambry Genetics
Classification: Uncertain significance for Familial thoracic aortic aneurysm and aortic dissection. Last evaluated: 2025-03-13. Review status: criteria provided, single submitter. Criteria: Ambry Variant Classification Scheme 2023. Collection method: clinical testing. Allele origin: germline.
Comment: The p.R1930* variant (also known as c.5788C>T), located in coding exon 40 of the MYH11 gene, results from a C to T substitution at nucleotide position 5788. This changes the amino acid from an arginine to a stop codon within coding exon 40. This alteration occurs at the 3' terminus of theMYH11 gene, is not expected to trigger nonsense-mediated mRNAdecay, and impacts the last 2% of the protein. The exact functional effect of this alteration is unknown. Based on the available evidence, the clinical significance of this variant remains unclear.

Fulgent Genetics
Classification: Uncertain significance for Aortic aneurysm, familial thoracic 4; Visceral myopathy 2; Megacystis-microcolon-intestinal hypoperistalsis syndrome 2. Last evaluated: 2021-11-17. Review status: criteria provided, single submitter. Criteria: ACMG Guidelines, 2015. Collection method: clinical testing. Allele origin: unknown.

GeneDx
Classification: Uncertain significance. Last evaluated: 2015-05-14. Review status: criteria provided, single submitter. Criteria: GeneDx Variant Classification (06012015). Collection method: clinical testing. Allele origin: germline. Affected: yes.
Comment: A variant of unknown significance has been identified in the MYH11 gene. The R1930X variant has not been published as a mutation, nor has it been reported as a benign polymorphism to our knowledge. R1930X results in the loss of the last 43 amino acids, resulting in a truncated protein product. While nonsense mutations have not been reported in HGMD in association with disease (Stenson P et al., 2014), the effect of this truncation on protein function cannot be predicted. The R1930X variant was not observed in approximately 6,500 individuals of European and African American ancestry in the NHLBI Exome Sequencing Project, indicating it is not a common benign variant in these populations.Therefore, based on the currently available information, it is unclear whether this variant is a pathogenic variant or a rare benign variant.

Literature cited by the submitters: PubMed 38773466 (cited by Ambry Genetics).